The following is an entry in ClinVar:

ClinVar aggregate classification (germline): Conflicting classifications of pathogenicity. Review status: criteria provided, conflicting classifications (1 of 4 stars). 2 submissions from 2 submitters: Likely pathogenic (1); Uncertain significance (1). Last evaluated 2023-04-24.

Conditions:
Cone dystrophy 3 (COD3). Also called: RETINAL CONE DYSTROPHY. Identifiers: Orphanet 1872, MedGen C1865869, MONDO:0011193, OMIM 602093.

Submissions (2):

Labcorp Genetics (formerly Invitae), Labcorp
Classification: Uncertain significance. Last evaluated: 2023-04-24. Review status: criteria provided, single submitter. Criteria: Invitae Variant Classification Sherloc (09022015). Collection method: clinical testing. Allele origin: germline.
Comment: In summary, the available evidence is currently insufficient to determine the role of this variant in disease. Therefore, it has been classified as a Variant of Uncertain Significance. This variant disrupts the p.Glu155 amino acid residue in GUCA1A. Other variant(s) that disrupt this residue have been determined to be pathogenic (PMID: 11484154, 28559085). This suggests that this residue is clinically significant, and that variants that disrupt this residue are likely to be disease-causing. Experimental studies have shown that this missense change affects GUCA1A function (PMID: 9425045). An algorithm developed to predict the effect of missense changes on protein structure and function (PolyPhen-2) suggests that this variant is likely to be disruptive. ClinVar contains an entry for this variant (Variation ID: 1464056). This variant has not been reported in the literature in individuals affected with GUCA1A-related conditions. This variant is not present in population databases (gnomAD no frequency). This sequence change replaces glutamic acid with aspartic acid at codon 155 of the GUCA1A protein (p.Glu155Asp). The glutamic acid residue is highly conserved and there is a small physicochemical difference between glutamic acid and aspartic acid.

Mendelics
Classification: Likely pathogenic for Cone dystrophy 3. Last evaluated: 2022-05-04. Review status: criteria provided, single submitter. Criteria: Mendelics Assertion Criteria 2019. Collection method: clinical testing. Allele origin: germline.

Literature cited by the submitters: PubMed 11484154 (cited by Labcorp Genetics (formerly Invitae), Labcorp); PubMed 28559085 (cited by Labcorp Genetics (formerly Invitae), Labcorp); PubMed 9425045 (cited by Labcorp Genetics (formerly Invitae), Labcorp).

NM_001384910.1(GUCA1A):c.465G>C (p.Glu155Asp)

Genes: GUCA1A (guanylate cyclase activator 1A; plus strand), GUCA1ANB-GUCA1A (GUCA1ANB-GUCA1A readthrough; plus strand). Cytogenetic location: 6p21.1.
Variant type: single nucleotide variant.
Coding change: c.465G>C on transcript NM_001384910.1 (MANE Select); coding-DNA position 465, G replaced by C.
Protein change: p.Glu155Asp; replaces glutamic acid 155 with aspartic acid.
Molecular consequence: missense variant.
Genome position (GRCh38, 1-based): chr6:42,179,262, G>C. VCF-style: chr6-42179262-G-C. GRCh37 (hg19) VCF-style: chr6-42147000-G-C.
Other names: c.465G>C, p.Glu155Asp (NM_000409.5, NM_001319061.2, NM_001319062.2); short protein forms E155D.
Identifiers: ClinVar variation 1464056 (VCV001464056.7), dbSNP rs2113838890, ClinGen allele CA364110176.